The following is an entry in ClinVar:

ClinVar aggregate classification (germline): Uncertain significance (1 of 4 stars; one submission).

Conditions:
Vici syndrome (VICIS). Identifiers: Orphanet 1493, MedGen C1855772, MONDO:0009452, OMIM 242840.

Allele frequency attached by ClinVar (database versions not stated): TOPMed below 0.00001; ExAC 0.00001.

Submission:

Labcorp Genetics (formerly Invitae), Labcorp
Classification: Uncertain significance for Vici syndrome. Last evaluated: 2022-11-08. Review status: criteria provided, single submitter. Criteria: Invitae Variant Classification Sherloc (09022015). Collection method: clinical testing. Allele origin: germline.
Comment: In summary, the available evidence is currently insufficient to determine the role of this variant in disease. Therefore, it has been classified as a Variant of Uncertain Significance. Algorithms developed to predict the effect of sequence changes on RNA splicing suggest that this variant may disrupt the consensus splice site. This variant has not been reported in the literature in individuals affected with EPG5-related conditions. This variant is present in population databases (rs749970560, gnomAD 0.006%). This sequence change falls in intron 41 of the EPG5 gene. It does not directly change the encoded amino acid sequence of the EPG5 protein.

NM_020964.3(EPG5):c.7227-14G>A

Gene: EPG5 (ectopic P-granules 5 autophagy tethering factor; minus strand). Cytogenetic location: 18q12.3.
Variant type: single nucleotide variant.
Coding change: c.7227-14G>A on transcript NM_020964.3 (MANE Select); 14 bases into the intron before coding-DNA position 7227, G replaced by A.
Molecular consequence: intron variant.
Genome position (GRCh38, 1-based): chr18:45,858,082, C>T on the plus strand (G>A on the coding strand, the complement: EPG5 is on the minus strand). VCF-style: chr18-45858082-C-T. GRCh37 (hg19) VCF-style: chr18-43438047-C-T.
Identifiers: ClinVar variation 2179061 (VCV002179061.4), dbSNP rs749970560, ClinGen allele CA8948043.